The following is an entry in ClinVar:

NM_000256.3(MYBPC3):c.2856T>G (p.Pro952=)

Gene: MYBPC3 (myosin binding protein C3; minus strand). Cytogenetic location: 11p11.2.
Variant type: single nucleotide variant.
Coding change: c.2856T>G on transcript NM_000256.3 (MANE Select); coding-DNA position 2856, T replaced by G.
Protein change: p.Pro952=; no amino-acid change (proline 952 retained).
Molecular consequence: synonymous variant.
Genome position (GRCh38, 1-based): chr11:47,335,091, A>C on the plus strand (T>G on the coding strand, the complement: MYBPC3 is on the minus strand). VCF-style: chr11-47335091-A-C. GRCh37 (hg19) VCF-style: chr11-47356642-A-C.
Identifiers: ClinVar variation 42662 (VCV000042662.8), dbSNP rs397515989, ClinGen allele CA013063.
Genomic context (GRCh38, chr11:47,335,091, plus strand): 5'-GGGGCACTCACGCAGGATCTCCTGCACTGTCACCGGCTCCGTGGTGGTAACAGGGGCTCC[A>C]GGCCCTGCCATATTGTGTGCCCGCACTCGGAAAAGCAGCCGGGCCCCCGTGGGCAGGTCC-3'
Protein context (NP_000247.2, residues 942-962): FRVRAHNMAG[Pro952=]GAPVTTTEPV

ClinVar aggregate classification (germline): Likely benign. Review status: criteria provided, multiple submitters, no conflicts (2 of 4 stars). 3 submissions from 3 submitters: Likely benign (3). Last evaluated 2025-01-22.

Conditions:
Cardiovascular phenotype. Identifiers: MedGen CN230736.
Hypertrophic cardiomyopathy. Also called: HYPERTROPHIC MYOCARDIOPATHY. Identifiers: Orphanet 217569, MedGen C0007194, MeSH D002312, MONDO:0005045, HP:0001639.

Allele frequency attached by ClinVar (database versions not stated): ExAC 0.00002.

Submissions (3):

Labcorp Genetics (formerly Invitae), Labcorp
Classification: Likely benign for Hypertrophic cardiomyopathy. Last evaluated: 2025-01-22. Review status: criteria provided, single submitter. Criteria: Invitae Variant Classification Sherloc (09022015). Collection method: clinical testing. Allele origin: germline.

Ambry Genetics
Classification: Likely benign for Cardiovascular phenotype. Last evaluated: 2012-08-09. Review status: criteria provided, single submitter. Criteria: Ambry Autosomal Dominant and X-Linked criteria (10/2015). Collection method: clinical testing. Allele origin: germline. Observed: 1 variant allele.

Laboratory for Molecular Medicine, Mass General Brigham Personalized Medicine
Classification: Likely benign. Last evaluated: 2011-09-30. Review status: criteria provided, single submitter. Criteria: LMM Criteria. Collection method: clinical testing. Allele origin: germline. Observed: 2 variant alleles.
Comment: Pro952Pro in exon 27 of MYBPC3: This variant does not change an amino acid and d oes not affect the splice consensus sequence. This makes a disease causing role very unlikely.